The following is an entry in ClinVar:

ClinVar aggregate classification (germline): Pathogenic (1 of 4 stars; one submission).

Conditions:
Ellis-van Creveld syndrome (EVC). Also called: EVC-Related Ellis-van Creveld Syndrome; EVC2-Related Ellis-van Creveld Syndrome; MESOECTODERMAL DYSPLASIA; Chondroectodermal dysplasia. Identifiers: Orphanet 289, MedGen C0013903, MONDO:0009162, OMIM 225500.
Curry-Hall syndrome (WAD). Also called: WEYERS ACRODENTAL DYSOSTOSIS. Identifiers: Orphanet 952, MedGen C0457013, MONDO:0008673, OMIM 193530.

Submission:

Labcorp Genetics (formerly Invitae), Labcorp
Classification: Pathogenic for Curry-Hall syndrome; Ellis-van Creveld syndrome. Last evaluated: 2019-03-13. Review status: criteria provided, single submitter. Criteria: Invitae Variant Classification Sherloc (09022015). Collection method: clinical testing. Allele origin: germline.
Comment: For these reasons, this variant has been classified as Pathogenic. Loss-of-function variants in EVC2 are known to be pathogenic (PMID: 17024374, 19810119, 19876929). This variant has not been reported in the literature in individuals with EVC2-related conditions. This variant is not present in population databases (ExAC no frequency). This sequence change creates a premature translational stop signal (p.Gln1152Hisfs*24) in the EVC2 gene. It is expected to result in an absent or disrupted protein product.

Literature cited by the submitters: PubMed 17024374; PubMed 19810119; PubMed 19876929.

NM_147127.5(EVC2):c.3446_3455dup (p.Gln1152fs)

Gene: EVC2 (EvC ciliary complex subunit 2; minus strand). Cytogenetic location: 4p16.2.
Variant type: Duplication.
Coding change: c.3446_3455dup on transcript NM_147127.5 (MANE Select); coding-DNA positions 3446 to 3455, 10 bases duplicated (CAGCCTCACA; older notation c.3446_3455dupCAGCCTCACA).
Protein change: p.Gln1152fs; shifts the reading frame from glutamine 1152.
Molecular consequence: frameshift variant.
Genome position (GRCh38, 1-based): chr4:5,568,546-5,568,555, TGTGAGGCTG duplicated on the plus strand (CAGCCTCACA on the coding strand, the reverse complement: EVC2 is on the minus strand); duplicating any 10 consecutive bases within chr4:5,568,546-5,568,557 gives the same sequence; the c. name uses the placement nearest the transcript's 3' end. VCF-style (leftmost placement, unchanged base first): chr4-5568545-C-CTGTGAGGCTG. GRCh37 (hg19) VCF-style: chr4-5570272-C-CTGTGAGGCTG.
Other names: c.3206_3215dup, p.Gln1072fs (NM_001166136.2); short protein forms Q1072fs, Q1152fs.
Identifiers: ClinVar variation 838376 (VCV000838376.8), dbSNP rs1722452431, ClinGen allele CA916082633.